The following is an entry in ClinVar:

ClinVar aggregate classification (germline): Uncertain significance (1 of 4 stars; one submission).

Conditions:
Epidermolysis bullosa simplex 5B, with muscular dystrophy (EBS5B). Also called: EPIDERMOLYSIS BULLOSA SIMPLEX AND LIMB-GIRDLE MUSCULAR DYSTROPHY; Epidermolysis bullosa simplex with muscular dystrophy. Identifiers: Orphanet 257, MedGen C2931072, MONDO:0009181, OMIM 226670.
Epidermolysis bullosa simplex, Ogna type (EBS5A). Also called: Pidermolysis bullosa simplex 5A, Ogna type; EPIDERMOLYSIS BULLOSA SIMPLEX 5A, OGNA TYPE. Identifiers: Orphanet 79401, MedGen C0432317, MONDO:0007555, OMIM 131950.
Epidermolysis bullosa simplex with nail dystrophy (EBS5D). Identifiers: MedGen C4225309, MONDO:0014661, OMIM 616487.
Epidermolysis bullosa simplex 5C, with pyloric atresia (EBS5C). Also called: PLEC1-Related Epidermolysis Bullosa with Pyloric Atresia; Epidermolysis bullosa simplex with pyloric atresia; PLEC-Related Epidermolysis Bullosa with Pyloric Atresia. Identifiers: Orphanet 158684, MedGen C2677349, MONDO:0012807, OMIM 612138.
Autosomal recessive limb-girdle muscular dystrophy type 2Q (LGMDR17). Also called: MUSCULAR DYSTROPHY, LIMB-GIRDLE, AUTOSOMAL RECESSIVE 17. Identifiers: Orphanet 254361, MedGen C3150989, MONDO:0013390, OMIM 613723.

Allele frequency attached by ClinVar (database versions not stated): gnomAD exomes below 0.00001; ExAC 0.00001; TOPMed 0.00001; gnomAD 0.00003; ESP Exome Variant Server 0.00008.
gnomAD v4.1: 6 of 1,613,232 alleles (0.00037%); highest among the groups gnomAD compares: African/African-American, 0.008%; no homozygotes.

Submission:

Labcorp Genetics (formerly Invitae), Labcorp
Classification: Uncertain significance for Autosomal recessive limb-girdle muscular dystrophy type 2Q; Epidermolysis bullosa simplex, Ogna type; Epidermolysis bullosa simplex with nail dystrophy; Epidermolysis bullosa simplex 5C, with pyloric atresia; Epidermolysis bullosa simplex 5B, with muscular dystrophy. Last evaluated: 2021-07-19. Review status: criteria provided, single submitter. Criteria: Invitae Variant Classification Sherloc (09022015). Collection method: clinical testing. Allele origin: germline.
Comment: In summary, the available evidence is currently insufficient to determine the role of this variant in disease. Therefore, it has been classified as a Variant of Uncertain Significance. Algorithms developed to predict the effect of missense changes on protein structure and function are either unavailable or do not agree on the potential impact of this missense change (SIFT: "Tolerated"; PolyPhen-2: "Possibly Damaging"; Align-GVGD: "Class C0"). This variant has not been reported in the literature in individuals affected with PLEC-related conditions. This variant is present in population databases (rs375796882, ExAC 0.01%). This sequence change replaces glutamine with glutamic acid at codon 3327 of the PLEC protein (p.Gln3327Glu). The glutamine residue is moderately conserved and there is a small physicochemical difference between glutamine and glutamic acid.

NM_201384.3(PLEC):c.9898C>G (p.Gln3300Glu)

Gene: PLEC (plectin; minus strand). Cytogenetic location: 8q24.3.
Variant type: single nucleotide variant.
Coding change: c.9898C>G on transcript NM_201384.3 (MANE Select); coding-DNA position 9898, C replaced by G.
Protein change: p.Gln3300Glu; replaces glutamine 3300 with glutamic acid.
Molecular consequence: missense variant.
Genome position (GRCh38, 1-based): chr8:143,919,923, G>C on the plus strand (C>G on the coding strand, the complement: PLEC is on the minus strand). VCF-style: chr8-143919923-G-C. GRCh37 (hg19) VCF-style: chr8-144994091-G-C.
Other names: c.9979C>G, p.Gln3327Glu (NM_000445.5); c.9856C>G, p.Gln3286Glu (NM_201378.4); c.9832C>G, p.Gln3278Glu (NM_201379.3); c.10309C>G, p.Gln3437Glu (NM_201380.4); c.9802C>G, p.Gln3268Glu (NM_201381.3); c.9898C>G, p.Gln3300Glu (NM_201382.4); c.9910C>G, p.Gln3304Glu (NM_201383.3); short protein forms Q3268E, Q3286E, Q3300E, Q3327E, Q3278E, Q3304E, Q3437E.
Identifiers: ClinVar variation 1421994 (VCV001421994.10), dbSNP rs375796882, ClinGen allele CA4924817.